The following is an entry in ClinVar:

ClinVar aggregate classification (germline): Conflicting classifications of pathogenicity. Review status: criteria provided, conflicting classifications (1 of 4 stars). 7 submissions from 5 submitters: Uncertain significance (4); Likely benign (2). 1 of the submissions does not count toward it. Last evaluated 2023-02-08.

Conditions:
Familial Mediterranean fever (FMF). Also called: POLYSEROSITIS, FAMILIAL PAROXYSMAL; POLYSEROSITIS, RECURRENT; Periodic peritonitis; Benign paroxysmal peritonitis. Identifiers: Orphanet 342, MedGen C0031069, MONDO:0018088, OMIM 249100. Disease mechanism: gain of function.
Familial Mediterranean fever, autosomal dominant. Also called: FMF, AUTOSOMAL DOMINANT; Dominant Familial Mediterranean Fever. Identifiers: Orphanet 342, MedGen C1851347, MONDO:0007601, OMIM 134610.
Acute febrile neutrophilic dermatosis (AFND). Also called: Sweet Syndrome; Gomm Button disease. Identifiers: Orphanet 3243, MedGen C0085077, MONDO:0011959, OMIM 608068.

Allele frequency attached by ClinVar (database versions not stated): gnomAD exomes 0.00003; gnomAD 0.00001; ExAC 0.00005.
gnomAD v4.1: 17 of 1,586,530 alleles (0.0011%); highest among the groups gnomAD compares: South Asian, 0.013%; no homozygotes.

Submissions (7):

Genome-Nilou Lab
Classification: Uncertain significance for Familial Mediterranean fever. Last evaluated: 2023-02-08. Review status: criteria provided, single submitter. Criteria: ACMG Guidelines, 2015. Collection method: clinical testing. Allele origin: germline.

Genome-Nilou Lab
Classification: Likely benign for Familial Mediterranean fever, autosomal dominant. Last evaluated: 2023-02-08. Review status: criteria provided, single submitter. Criteria: ACMG Guidelines, 2015. Collection method: clinical testing. Allele origin: germline.

Genome-Nilou Lab
Classification: Likely benign for Acute febrile neutrophilic dermatosis. Last evaluated: 2023-02-08. Review status: criteria provided, single submitter. Criteria: ACMG Guidelines, 2015. Collection method: clinical testing. Allele origin: germline.

Fulgent Genetics
Classification: Uncertain significance for Familial Mediterranean fever, autosomal dominant; Familial Mediterranean fever; Acute febrile neutrophilic dermatosis. Last evaluated: 2022-04-01. Review status: criteria provided, single submitter. Criteria: ACMG Guidelines, 2015. Collection method: clinical testing. Allele origin: unknown.

Labcorp Genetics (formerly Invitae), Labcorp
Classification: Uncertain significance for Familial Mediterranean fever. Last evaluated: 2021-08-12. Review status: criteria provided, single submitter. Criteria: Invitae Variant Classification Sherloc (09022015). Collection method: clinical testing. Allele origin: germline.
Comment: This sequence change replaces glutamic acid with aspartic acid at codon 163 of the MEFV protein (p.Glu163Asp). The glutamic acid residue is weakly conserved and there is a small physicochemical difference between glutamic acid and aspartic acid. This variant is present in population databases (rs759997694, ExAC 0.03%). This missense change has been observed in individual(s) with MEFV-related conditions (PMID: 15300846). ClinVar contains an entry for this variant (Variation ID: 392469). Algorithms developed to predict the effect of missense changes on protein structure and function output the following: SIFT: "Tolerated"; PolyPhen-2: "Benign"; Align-GVGD: "Class C0". The aspartic acid amino acid residue is found in multiple mammalian species, which suggests that this missense change does not adversely affect protein function. In summary, the available evidence is currently insufficient to determine the role of this variant in disease. Therefore, it has been classified as a Variant of Uncertain Significance.

GeneDx
Classification: Uncertain significance. Last evaluated: 2017-01-19. Review status: criteria provided, single submitter. Criteria: GeneDx Variant Classification (06012015). Collection method: clinical testing. Allele origin: germline. Affected: yes.
Comment: The E163D variant in the MEFV gene has not been reported previously as a pathogenic variant, nor as a benign variant, to our knowledge. This variant was not observed at any significant frequency in the Exome Aggregation Consortium (ExAC) data set, indicating it is not a common benign variant.The E163D variant is a conservative amino acid substitution, which is not likely to impact secondary protein structure as these residues share similar properties. This substitution occurs at a position that is not conserved, and in silico analysis predicts this variant likely does not alter the protein structure/function. However, a missense variant in the same codon (E163A) has been reported in association with FMF (Aldea et al., 2004), supporting the functional importance of this residue of the protein. We interpret E163D as a variant of uncertain significance.

Natera, Inc.
Classification: Uncertain significance for Familial Mediterranean fever. Last evaluated: 2019-10-28. Review status: no assertion criteria provided. Collection method: clinical testing. Allele origin: germline. Not counted in ClinVar's aggregate classification.

Literature cited by the submitters: PubMed 15300846 (cited by Labcorp Genetics (formerly Invitae), Labcorp).

NM_000243.3(MEFV):c.489G>T (p.Glu163Asp)

Gene: MEFV (MEFV innate immunity regulator, pyrin; minus strand). Cytogenetic location: 16p13.3.
Variant type: single nucleotide variant.
Coding change: c.489G>T on transcript NM_000243.3 (MANE Select); coding-DNA position 489, G replaced by T.
Protein change: p.Glu163Asp; replaces glutamic acid 163 with aspartic acid.
Molecular consequence: missense variant. On other transcripts: intron variant (1).
Genome position (GRCh38, 1-based): chr16:3,254,579, C>A on the plus strand (G>T on the coding strand, the complement: MEFV is on the minus strand). VCF-style: chr16-3254579-C-A. GRCh37 (hg19) VCF-style: chr16-3304579-C-A.
Other names: c.277+1732G>T (NM_001198536.2); short protein forms E163D.
Identifiers: ClinVar variation 392469 (VCV000392469.6), dbSNP rs759997694, ClinGen allele CA7860418.